The following is an entry in ClinVar:

ClinVar aggregate classification (germline): Uncertain significance (1 of 4 stars; one submission).

Conditions:
CLCN1-related disorder. Also called: CLCN1-related condition.

Submission:

PreventionGenetics, part of Exact Sciences
Classification: Uncertain significance for CLCN1-related condition. Last evaluated: 2024-11-02. Review status: criteria provided, single submitter. Criteria: ACMG Guidelines, 2015. Collection method: clinical testing. Allele origin: germline.
Comment: The CLCN1 c.1232G>T variant is predicted to result in the amino acid substitution p.Gly411Val. To our knowledge, this variant has not been reported in the literature or in a large population database (gnomAD), indicating this variant is rare. An alternate missense change at the same amino acid position has been reported in patients expected to have an autosomal recessive form of CLCN1-related disease (Stunnenberg et al. 2018. PubMed ID: 29606556; Altamura et al. 2020. PubMed ID: 33013670). At this time, the clinical significance of this variant is uncertain due to the absence of conclusive functional and genetic evidence.

NM_000083.3(CLCN1):c.1232G>T (p.Gly411Val)

Gene: CLCN1 (chloride voltage-gated channel 1; plus strand). Cytogenetic location: 7q34.
Variant type: single nucleotide variant.
Coding change: c.1232G>T on transcript NM_000083.3 (MANE Select); coding-DNA position 1232, G replaced by T.
Protein change: p.Gly411Val; replaces glycine 411 with valine.
Molecular consequence: missense variant. On other transcripts: non-coding transcript variant (1).
Genome position (GRCh38, 1-based): chr7:143,332,484, G>T. VCF-style: chr7-143332484-G-T. GRCh37 (hg19) VCF-style: chr7-143029577-G-T.
Other names: short protein forms G411V.
Identifiers: ClinVar variation 5001458 (VCV005001458.1).
Genomic context (GRCh38, chr7:143,332,484, plus strand): 5'-TGCTGTATCCTGGAATTGTTACCTTTGTCATTGCCTCATTCACCTTCCCACCAGGAATGG[G>T]TCAATTCATGGCTGGAGAGGTCAGCTGTTGGTGGGGCCACATGGTAAAGAGGAAACAGCA-3'
Protein context (NP_000074.3, residues 401-421): IASFTFPPGM[Gly411Val]QFMAGELMPR